The following is an entry in ClinVar:

ClinVar aggregate classification (germline): Likely benign. Review status: criteria provided, single submitter (1 of 4 stars). 2 submissions from 2 submitters: Likely benign (1). 1 of the submissions does not count toward it. Last evaluated 2025-05-05.

Conditions:
CSF2RB-related disorder. Also called: CSF2RB-related condition.

gnomAD v4.1: 2 of 1,614,174 alleles (0.00012%); highest among the groups gnomAD compares: Admixed American, 0.0033%; no homozygotes.

Submissions (2):

Labcorp Genetics (formerly Invitae), Labcorp
Classification: Likely benign. Last evaluated: 2025-05-05. Review status: criteria provided, single submitter. Criteria: Invitae Variant Classification Sherloc (09022015). Collection method: clinical testing. Allele origin: germline.

PreventionGenetics, part of Exact Sciences
Classification: Likely benign for CSF2RB-related condition. Last evaluated: 2023-05-31. Review status: no assertion criteria provided. Collection method: clinical testing. Allele origin: germline. Not counted in ClinVar's aggregate classification.
Comment: This variant is classified as likely benign based on ACMG/AMP sequence variant interpretation guidelines (Richards et al. 2015 PMID: 25741868, with internal and published modifications).

NM_000395.3(CSF2RB):c.1374G>T (p.Leu458=)

Gene: CSF2RB (colony stimulating factor 2 receptor subunit beta; plus strand). Cytogenetic location: 22q12.3.
Variant type: single nucleotide variant.
Coding change: c.1374G>T on transcript NM_000395.3 (MANE Select); coding-DNA position 1374, G replaced by T.
Protein change: p.Leu458=; no amino-acid change (leucine 458 retained).
Molecular consequence: synonymous variant.
Genome position (GRCh38, 1-based): chr22:36,935,409, G>T. VCF-style: chr22-36935409-G-T. GRCh37 (hg19) VCF-style: chr22-37331451-G-T.
Other names: c.1392G>T, p.Leu464= (NM_001410827.1); c.1374G>T (NM_000395.2).
Identifiers: ClinVar variation 2991088 (VCV002991088.5), dbSNP rs915169505, ClinGen allele CA324001839.